The following is an entry in ClinVar:

ClinVar aggregate classification (germline): Pathogenic. Review status: criteria provided, multiple submitters, no conflicts (2 of 4 stars). 8 submissions from 8 submitters: Pathogenic (6). 2 of the submissions do not count toward it. Last evaluated 2025-04-17.

Conditions:
KCNV2-related disorder. Also called: KCNV2-related condition.
Retinal dystrophy. Also called: Inherited retinal dystrophy. Identifiers: Orphanet 71862, MedGen C0854723, MeSH D058499, MONDO:0019118, HP:0000556.
Cone dystrophy with supernormal rod response (CDSRR). Also called: CONE DYSTROPHY WITH SUPERNORMAL ROD RESPONSES. Identifiers: Orphanet 209932, MedGen C1835897, MONDO:0012475, OMIM 610356.

Submissions (8):

Labcorp Genetics (formerly Invitae), Labcorp
Classification: Pathogenic. Last evaluated: 2025-04-17. Review status: criteria provided, single submitter. Criteria: Invitae Variant Classification Sherloc (09022015). Collection method: clinical testing. Allele origin: germline.
Comment: This sequence change creates a premature translational stop signal (p.Lys3Argfs*96) in the KCNV2 gene. It is expected to result in an absent or disrupted protein product. Loss-of-function variants in KCNV2 are known to be pathogenic (PMID: 16909397, 18235024). This variant is present in population databases (rs780555806, gnomAD 0.02%). This premature translational stop signal has been observed in individual(s) with cone dystrophy with supernormal rod response (PMID: 21558291, 21882291). ClinVar contains an entry for this variant (Variation ID: 39810). For these reasons, this variant has been classified as Pathogenic.

3billion
Classification: Pathogenic for Cone dystrophy with supernormal rod response. Last evaluated: 2024-11-10. Review status: criteria provided, single submitter. Criteria: ACMG Guidelines, 2015. Collection method: clinical testing. Allele origin: germline. Affected: yes.
Comment: The variant is observed at an extremely low frequency in the gnomAD v4.1.0 dataset (total allele frequency: 0.004%). Predicted Consequence/Location: Frameshift: predicted to result in a loss or disruption of normal protein function through nonsense-mediated decay (NMD) or protein truncation. Multiple pathogenic variants are reported downstream of the variant. The variant has been reported at least twice as pathogenic with clinical assertions and evidence for the classification (ClinVar ID: VCV000039810 /PMID: 21882291). Therefore, this variant is classified as Pathogenic according to the recommendation of ACMG/AMP guideline.

Blueprint Genetics
Classification: Pathogenic for KCNV2-related disorders. Last evaluated: 2023-06-30. Review status: criteria provided, single submitter. Criteria: ACMG Guidelines, 2015. Collection method: clinical testing. Allele origin: germline. Affected: yes. Observed: 5 variant alleles.

GeneDx
Classification: Pathogenic. Last evaluated: 2022-08-09. Review status: criteria provided, single submitter. Criteria: GeneDx Variant Classification Process June 2021. Collection method: clinical testing. Allele origin: germline. Affected: yes.
Comment: Frameshift variant predicted to result in protein truncation or nonsense mediated decay in a gene for which loss of function is a known mechanism of disease; This variant is associated with the following publications: (PMID: 32581362, 31589614, 30927187, 21558291, 23077521, 21882291)

Institute of Human Genetics, Univ. Regensburg, Univ. Regensburg
Classification: Pathogenic for Retinal dystrophy. Last evaluated: 2020-01-01. Review status: criteria provided, single submitter. Criteria: ACMG Guidelines, 2015. Collection method: clinical testing. Allele origin: germline. Affected: yes.

CeGaT Center for Human Genetics Tuebingen
Classification: Pathogenic. Last evaluated: 2018-10-01. Review status: criteria provided, single submitter. Criteria: CeGaT Center For Human Genetics Tuebingen Variant Classification Criteria Version 2. Collection method: clinical testing. Allele origin: germline. Affected: yes. Observed: 1 variant allele.

NIHR Bioresource Rare Diseases, University of Cambridge
Classification: Pathogenic for Retinal dystrophy. Last evaluated: 2015-01-01. Review status: no assertion criteria provided. Collection method: research. Allele origin: unknown. Affected: yes. Observed: 1 variant allele. Not counted in ClinVar's aggregate classification.

OMIM
Classification: drug response for CONE DYSTROPHY WITH SUPERNORMAL ROD RESPONSES. Last evaluated: 2011-12-01. Review status: no assertion criteria provided. Collection method: literature only. Allele origin: germline. Not counted in ClinVar's aggregate classification.

Literature cited by the submitters: PubMed 16909397 (cited by Labcorp Genetics (formerly Invitae), Labcorp); PubMed 18235024 (cited by Labcorp Genetics (formerly Invitae), Labcorp); PubMed 21558291 (cited by Labcorp Genetics (formerly Invitae), Labcorp); PubMed 21882291 (cited by 5 submitters); PubMed 31589614 (cited by Institute of Human Genetics, Univ. Regensburg, Univ. Regensburg); PubMed 31964843 (cited by Institute of Human Genetics, Univ. Regensburg, Univ. Regensburg); PubMed 32581362 (cited by Institute of Human Genetics, Univ. Regensburg, Univ. Regensburg); PubMed 28041643 (cited by NIHR Bioresource Rare Diseases, University of Cambridge).

NM_133497.4(KCNV2):c.8_11del (p.Lys3fs)

Gene: KCNV2 (potassium voltage-gated channel modifier subfamily V member 2; plus strand). Cytogenetic location: 9p24.2.
Variant type: Deletion.
Coding change: c.8_11del on transcript NM_133497.4 (MANE Select); coding-DNA positions 8 to 11, 4 bases deleted (AACA; older notation c.8_11delAACA).
Protein change: p.Lys3fs; shifts the reading frame from lysine 3.
Molecular consequence: frameshift variant.
Genome position (GRCh38, 1-based): chr9:2,717,747-2,717,750, AACA deleted; deleting any 4 consecutive bases within chr9:2,717,745-2,717,750 gives the same sequence; the c. name uses the placement nearest the transcript's 3' end. VCF-style (leftmost placement, unchanged base first): chr9-2717744-TCAAA-T. GRCh37 (hg19) VCF-style: chr9-2717744-TCAAA-T.
Other names: c.8_11delAACA (NM_133497.3); short protein forms K3fs.
Identifiers: ClinVar variation 39810 (VCV000039810.53), dbSNP rs786205121, ClinGen allele CA130575.
Genomic context (GRCh38, chr9:2,717,744, plus strand): 5'-TGAGGGACCCCTACCACAGCCAGGAGGAAAAAGCTAGGCGTCCACTTTCCGCAGCCATGC[TCAAA>T]CAGAGTGAGAGGAGACGGTCCTGGAGCTACAGGCCCTGGAACACGACGGAGAATGAGGGC-3'